The following is an entry in ClinVar:

NM_000138.5(FBN1):c.539-1G>A

Gene: FBN1 (fibrillin 1; minus strand). Cytogenetic location: 15q21.1.
Variant type: single nucleotide variant.
Coding change: c.539-1G>A on transcript NM_000138.5 (MANE Select); the canonical splice acceptor site of the intron before coding-DNA position 539, G replaced by A.
Molecular consequence: splice acceptor variant.
Genome position (GRCh38, 1-based): chr15:48,537,809, C>T on the plus strand (G>A on the coding strand, the complement: FBN1 is on the minus strand). VCF-style: chr15-48537809-C-T. GRCh37 (hg19) VCF-style: chr15-48830006-C-T.
Other names: c.539-1G>A (NM_001406716.1, NM_001406717.1).
Identifiers: ClinVar variation 199955 (VCV000199955.3), dbSNP rs794728161, ClinGen allele CA015791.

ClinVar aggregate classification (germline): Pathogenic (1 of 4 stars; one submission).

Submission:

GeneDx
Classification: Pathogenic. Last evaluated: 2021-05-20. Review status: criteria provided, single submitter. Criteria: GeneDx Variant Classification Process June 2021. Collection method: clinical testing. Allele origin: germline. Affected: yes.
Comment: Canonical splice site variant expected to result in aberrant splicing, although in the absence of functional evidence the actual effect of this sequence change is unknown.; Not observed in large population cohorts (Lek et al., 2016); This variant is associated with the following publications: (PMID: 25525159, 19293843)